The following is an entry in ClinVar:

NM_022436.3(ABCG5):c.1333C>G (p.Leu445Val)

Genes: ABCG5 (ATP binding cassette subfamily G member 5; minus strand), DYNC2LI1 (dynein cytoplasmic 2 light intermediate chain 1; plus strand). Cytogenetic location: 2p21.
Variant type: single nucleotide variant.
Coding change: c.1333C>G on transcript NM_022436.3 (MANE Select); coding-DNA position 1333, C replaced by G.
Protein change: p.Leu445Val; replaces leucine 445 with valine.
Molecular consequence: missense variant. On other transcripts: intron variant (2).
Genome position (GRCh38, 1-based): chr2:43,822,927, G>C on the plus strand (C>G on the coding strand, the complement: ABCG5 is on the minus strand). VCF-style: chr2-43822927-G-C. GRCh37 (hg19) VCF-style: chr2-44050066-G-C.
Other names: c.*16-4459G>C (NM_001348913.2, NM_001348912.2); short protein forms L445V.
Identifiers: ClinVar variation 2449156 (VCV002449156.2), dbSNP rs2465986449, ClinGen allele CA346664014.

ClinVar aggregate classification (germline): Uncertain significance (1 of 4 stars; one submission).

Conditions:
Cardiovascular phenotype. Identifiers: MedGen CN230736.

Submission:

Ambry Genetics
Classification: Uncertain significance for Cardiovascular phenotype. Last evaluated: 2022-12-06. Review status: criteria provided, single submitter. Criteria: Ambry Variant Classification Scheme 2023. Collection method: clinical testing. Allele origin: germline.
Comment: The p.L445V variant (also known as c.1333C>G), located in coding exon 10 of the ABCG5 gene, results from a C to G substitution at nucleotide position 1333. The leucine at codon 445 is replaced by valine, an amino acid with highly similar properties. This amino acid position is conserved. In addition, this alteration is predicted to be tolerated by in silico analysis. Since supporting evidence is limited at this time, the clinical significance of this alteration remains unclear.